The following is an entry in ClinVar:

ClinVar aggregate classification (germline): Uncertain significance (1 of 4 stars; one submission).

Submission:

Labcorp Genetics (formerly Invitae), Labcorp
Classification: Uncertain significance. Last evaluated: 2024-04-15. Review status: criteria provided, single submitter. Criteria: Invitae Variant Classification Sherloc (09022015). Collection method: clinical testing. Allele origin: germline.
Comment: This sequence change replaces tyrosine, which is neutral and polar, with histidine, which is basic and polar, at codon 263 of the SLC7A14 protein (p.Tyr263His). This variant is not present in population databases (gnomAD no frequency). This variant has not been reported in the literature in individuals affected with SLC7A14-related conditions. An algorithm developed to predict the effect of missense changes on protein structure and function (PolyPhen-2) suggests that this variant is likely to be disruptive. In summary, the available evidence is currently insufficient to determine the role of this variant in disease. Therefore, it has been classified as a Variant of Uncertain Significance.

NM_020949.3(SLC7A14):c.787T>C (p.Tyr263His)

Genes: SLC7A14 (solute carrier family 7 member 14; minus strand), SLC7A14-AS1 (SLC7A14 antisense RNA 1; plus strand). Cytogenetic location: 3q26.2.
Variant type: single nucleotide variant.
Coding change: c.787T>C on transcript NM_020949.3 (MANE Select); coding-DNA position 787, T replaced by C.
Protein change: p.Tyr263His; replaces tyrosine 263 with histidine.
Molecular consequence: missense variant.
Genome position (GRCh38, 1-based): chr3:170,486,341, A>G on the plus strand (T>C on the coding strand, the complement: SLC7A14 is on the minus strand). VCF-style: chr3-170486341-A-G. GRCh37 (hg19) VCF-style: chr3-170204130-A-G.
Other names: short protein forms Y263H.
Identifiers: ClinVar variation 2796843 (VCV002796843.3), dbSNP rs2473374973, ClinGen allele CA355494312.